The following is an entry in ClinVar:

NM_006035.4(CDC42BPB):c.2869A>G (p.Thr957Ala)

Gene: CDC42BPB (CDC42 binding protein kinase beta; minus strand). Cytogenetic location: 14q32.32.
Variant type: single nucleotide variant.
Coding change: c.2869A>G on transcript NM_006035.4 (MANE Select); coding-DNA position 2869, A replaced by G.
Protein change: p.Thr957Ala; replaces threonine 957 with alanine.
Molecular consequence: missense variant.
Genome position (GRCh38, 1-based): chr14:102,959,663, T>C on the plus strand (A>G on the coding strand, the complement: CDC42BPB is on the minus strand). VCF-style: chr14-102959663-T-C. GRCh37 (hg19) VCF-style: chr14-103426000-T-C.
Other names: c.2869A>G, p.Thr957Ala (NM_001411054.1); short protein forms T957A.
Identifiers: ClinVar variation 4822817 (VCV004822817.4).

ClinVar aggregate classification (germline): Likely benign (1 of 4 stars; one submission).

gnomAD v4.1: 10 of 1,610,258 alleles (0.00062%); highest among the groups gnomAD compares: Admixed American, 0.015%; no homozygotes.

Submission:

CeGaT Center for Human Genetics Tuebingen
Classification: Likely benign. Last evaluated: 2025-12-01. Review status: criteria provided, single submitter. Criteria: CeGaT Center For Human Genetics Tuebingen Variant Classification Criteria Version 2. Collection method: clinical testing. Allele origin: germline. Affected: yes. Observed: 1 variant allele.
Comment: CDC42BPB: BP4